The following is an entry in ClinVar:

NM_002439.5(MSH3):c.1514C>T (p.Ala505Val)

Gene: MSH3 (mutS homolog 3; plus strand). Cytogenetic location: 5q14.1.
Variant type: single nucleotide variant.
Coding change: c.1514C>T on transcript NM_002439.5 (MANE Select); coding-DNA position 1514, C replaced by T.
Protein change: p.Ala505Val; replaces alanine 505 with valine.
Molecular consequence: missense variant.
Genome position (GRCh38, 1-based): chr5:80,728,911, C>T. VCF-style: chr5-80728911-C-T. GRCh37 (hg19) VCF-style: chr5-80024730-C-T.
Other names: short protein forms A505V.
Identifiers: ClinVar variation 1415691 (VCV001415691.10), dbSNP rs759956134, ClinGen allele CA360274268.

ClinVar aggregate classification (germline): Uncertain significance. Review status: criteria provided, multiple submitters, no conflicts (2 of 4 stars). 3 submissions from 3 submitters: Uncertain significance (3). Last evaluated 2024-06-12.

Conditions:
Hereditary cancer-predisposing syndrome. Also called: Hereditary Cancer Syndrome; Tumor predisposition; Hereditary neoplastic syndrome; Neoplastic Syndromes, Hereditary. Identifiers: Orphanet 140162, MedGen C0027672, MeSH D009386, MONDO:0015356.
Endometrial carcinoma. Also called: Endometrial carcinoma, somatic. Identifiers: MedGen C0476089, MONDO:0002447, OMIM 608089, HP:0012114.

Submissions (3):

Ambry Genetics
Classification: Uncertain significance for Hereditary cancer-predisposing syndrome. Last evaluated: 2024-06-12. Review status: criteria provided, single submitter. Criteria: Ambry Variant Classification Scheme 2023. Collection method: clinical testing. Allele origin: germline.
Comment: The p.A505V variant (also known as c.1514C>T), located in coding exon 10 of the MSH3 gene, results from a C to T substitution at nucleotide position 1514. The alanine at codon 505 is replaced by valine, an amino acid with similar properties. This amino acid position is conserved. In addition, the in silico prediction for this alteration is inconclusive. Since supporting evidence is limited at this time, the clinical significance of this alteration remains unclear.

Baylor Genetics
Classification: Uncertain significance for Endometrial carcinoma. Last evaluated: 2023-07-23. Review status: criteria provided, single submitter. Criteria: ACMG Guidelines, 2015. Collection method: clinical testing. Allele origin: unknown.

Labcorp Genetics (formerly Invitae), Labcorp
Classification: Uncertain significance. Last evaluated: 2021-12-11. Review status: criteria provided, single submitter. Criteria: Invitae Variant Classification Sherloc (09022015). Collection method: clinical testing. Allele origin: germline.
Comment: This variant is not present in population databases (gnomAD no frequency). This variant has not been reported in the literature in individuals affected with MSH3-related conditions. Algorithms developed to predict the effect of missense changes on protein structure and function are either unavailable or do not agree on the potential impact of this missense change (SIFT: "Deleterious"; PolyPhen-2: "Benign"; Align-GVGD: "Class C0"). This sequence change replaces alanine, which is neutral and non-polar, with valine, which is neutral and non-polar, at codon 505 of the MSH3 protein (p.Ala505Val). In summary, the available evidence is currently insufficient to determine the role of this variant in disease. Therefore, it has been classified as a Variant of Uncertain Significance.